The following is an entry in ClinVar:

ClinVar aggregate classification (germline): Uncertain significance (1 of 4 stars; one submission).

Conditions:
Developmental and epileptic encephalopathy, 1 (DEE1). Also called: X-linked infantile spasms; West's syndrome; Tonic spasms with clustering, arrest of psychomotor development and hypsarrhythmia on EEG; X-Linked Infantile Spasm Syndrome; OHTAHARA SYNDROME, X-LINKED; Epileptic encephalopathy, early infantile, 1. Identifiers: MedGen C3463992, MONDO:0010632, OMIM 308350. Disease mechanism: loss of function.
Autosomal dominant nonsyndromic hearing loss 65. Also called: Deafness, autosomal dominant 65; TBC1D24-Related Autosomal Dominant Nonsyndromic Hearing Loss (DFNA). Identifiers: Orphanet 90635, MedGen C3892048, MONDO:0014470, OMIM 616044.

Allele frequency attached by ClinVar (database versions not stated): gnomAD 0.00002 and 0.00003; gnomAD exomes 0.00001 and 0.00002; ESP Exome Variant Server 0.00008; ExAC 0.00001; TOPMed 0.00002.
gnomAD v4.1: 12 of 1,604,116 alleles (0.00075%); highest among the groups gnomAD compares: Admixed American, 0.005%; no homozygotes.

Submission:

Labcorp Genetics (formerly Invitae), Labcorp
Classification: Uncertain significance for Developmental and epileptic encephalopathy, 1; Autosomal dominant nonsyndromic hearing loss 65. Last evaluated: 2025-12-01. Review status: criteria provided, single submitter. Criteria: Invitae Variant Classification Sherloc (09022015). Collection method: clinical testing. Allele origin: germline.
Comment: This sequence change replaces valine, which is neutral and non-polar, with methionine, which is neutral and non-polar, at codon 318 of the TBC1D24 protein (p.Val318Met). This variant is present in population databases (rs370233833, gnomAD 0.007%). This variant has not been reported in the literature in individuals affected with TBC1D24-related conditions. ClinVar contains an entry for this variant (Variation ID: 1050942). Invitae Evidence Modeling of protein sequence and biophysical properties (such as structural, functional, and spatial information, amino acid conservation, physicochemical variation, residue mobility, and thermodynamic stability) indicates that this missense variant is not expected to disrupt TBC1D24 protein function with a negative predictive value of 80%. In summary, the available evidence is currently insufficient to determine the role of this variant in disease. Therefore, it has been classified as a Variant of Uncertain Significance.

NM_001199107.2(TBC1D24):c.952G>A (p.Val318Met)

Gene: TBC1D24 (TBC1 domain family member 24; plus strand). Cytogenetic location: 16p13.3.
Variant type: single nucleotide variant.
Coding change: c.952G>A on transcript NM_001199107.2 (MANE Select); coding-DNA position 952, G replaced by A.
Protein change: p.Val318Met; replaces valine 318 with methionine.
Molecular consequence: missense variant.
Genome position (GRCh38, 1-based): chr16:2,497,100, G>A. VCF-style: chr16-2497100-G-A. GRCh37 (hg19) VCF-style: chr16-2547101-G-A.
Other names: c.952G>A, p.Val318Met (NM_020705.3); short protein forms V318M.
Identifiers: ClinVar variation 1050942 (VCV001050942.9), dbSNP rs370233833, ClinGen allele CA7844097.